The following is an entry in ClinVar:

NM_004655.4(AXIN2):c.1651T>C (p.Cys551Arg)

Gene: AXIN2 (axin 2; minus strand). Cytogenetic location: 17q24.1.
Variant type: single nucleotide variant.
Coding change: c.1651T>C on transcript NM_004655.4 (MANE Select); coding-DNA position 1651, T replaced by C.
Protein change: p.Cys551Arg; replaces cysteine 551 with arginine.
Molecular consequence: missense variant.
Genome position (GRCh38, 1-based): chr17:65,537,385, A>G on the plus strand (T>C on the coding strand, the complement: AXIN2 is on the minus strand). VCF-style: chr17-65537385-A-G. GRCh37 (hg19) VCF-style: chr17-63533503-A-G.
Other names: p.C551R:TGC>CGC; c.1651T>C, p.Cys551Arg (NM_001363813.1); c.1651T>C (LRG_296t1); short protein forms C551R.
Identifiers: ClinVar variation 182006 (VCV000182006.21), dbSNP rs730881398, ClinGen allele CA298386.
Genomic context (GRCh38, chr17:65,537,385, plus strand): 5'-CAAACTGCTCGCTGGGCATGGTTTCCGGAGCCTTGGAGTGGCTTTTGCATTTCGAGTAGC[A>G]GTAATACTCGCTGCCCCCAGGGCAGAAGCAGTGCACCCGCTGCGTGGCCTCCGCCTCGAT-3'
Protein context (NP_004646.3, residues 541-561): CFCPGGSEYY[Cys551Arg]YSKCKSHSKA

ClinVar aggregate classification (germline): Uncertain significance. Review status: criteria provided, multiple submitters, no conflicts (2 of 4 stars). 6 submissions from 6 submitters: Uncertain significance (6). Last evaluated 2025-11-10.

Conditions:
AXIN2-related disorder.
Hereditary cancer-predisposing syndrome. Also called: Tumor predisposition; Hereditary neoplastic syndrome; Neoplastic Syndromes, Hereditary; Hereditary Cancer Syndrome. Identifiers: Orphanet 140162, MedGen C0027672, MeSH D009386, MONDO:0015356.
Colorectal cancer. Also called: Malignant Colorectal Neoplasm; Colorectal cancer, somatic. Identifiers: MedGen C0346629, MONDO:0005575, OMIM 114500.
Carcinoma of colon (CRC). Also called: Colonic carcinoma; Colon carcinoma. Identifiers: MedGen C0699790, MONDO:0002032.
Oligodontia-cancer predisposition syndrome. Also called: TOOTH AGENESIS-COLORECTAL CANCER SYNDROME. Identifiers: Orphanet 300576, MedGen C1837750, MONDO:0012075, OMIM 608615. Disease mechanism: loss of function.

Allele frequency attached by ClinVar (database versions not stated): gnomAD exomes 0.00001; gnomAD 0.00001; ExAC 0.00002; TOPMed 0.00002.
gnomAD v4.1: 158 of 1,613,962 alleles (0.0098%); highest among the groups gnomAD compares: Non-Finnish European, 0.013%; no homozygotes.

Submissions (6):

Labcorp Genetics (formerly Invitae), Labcorp
Classification: Uncertain significance for Oligodontia-cancer predisposition syndrome. Last evaluated: 2025-11-10. Review status: criteria provided, single submitter. Criteria: Invitae Variant Classification Sherloc (09022015). Collection method: clinical testing. Allele origin: germline.
Comment: This sequence change replaces cysteine, which is neutral and slightly polar, with arginine, which is basic and polar, at codon 551 of the AXIN2 protein (p.Cys551Arg). This variant is present in population databases (rs730881398, gnomAD 0.003%). This variant has not been reported in the literature in individuals affected with AXIN2-related conditions. ClinVar contains an entry for this variant (Variation ID: 182006). Invitae Evidence Modeling of protein sequence and biophysical properties (such as structural, functional, and spatial information, amino acid conservation, physicochemical variation, residue mobility, and thermodynamic stability) indicates that this missense variant is not expected to disrupt AXIN2 protein function with a negative predictive value of 80%. In summary, the available evidence is currently insufficient to determine the role of this variant in disease. Therefore, it has been classified as a Variant of Uncertain Significance.

Ambry Genetics
Classification: Uncertain significance for Hereditary cancer-predisposing syndrome. Last evaluated: 2025-04-05. Review status: criteria provided, single submitter. Criteria: Ambry Variant Classification Scheme 2023. Collection method: clinical testing. Allele origin: germline.
Comment: The p.C551R variant (also known as c.1651T>C), located in coding exon 5 of the AXIN2 gene, results from a T to C substitution at nucleotide position 1651. The cysteine at codon 551 is replaced by arginine, an amino acid with highly dissimilar properties. This amino acid position is well conserved in available vertebrate species. In addition, this alteration is predicted to be tolerated by in silico analysis. Since supporting evidence is limited at this time, the clinical significance of this alteration remains unclear.

GeneDx
Classification: Uncertain significance. Last evaluated: 2024-01-09. Review status: criteria provided, single submitter. Criteria: GeneDx Variant Classification Process June 2021. Collection method: clinical testing. Allele origin: germline. Affected: yes.
Comment: Not observed at significant frequency in large population cohorts (gnomAD); In silico analysis supports that this missense variant does not alter protein structure/function; Has not been previously published as pathogenic or benign to our knowledge

Baylor Genetics
Classification: Uncertain significance for Colorectal cancer. Last evaluated: 2023-08-15. Review status: criteria provided, single submitter. Criteria: ACMG Guidelines, 2015. Collection method: clinical testing. Allele origin: unknown.

PreventionGenetics, part of Exact Sciences
Classification: Uncertain significance for AXIN2-related condition. Last evaluated: 2023-07-20. Review status: criteria provided, single submitter. Criteria: ACMG Guidelines, 2015. Collection method: clinical testing. Allele origin: germline.
Comment: The AXIN2 c.1651T>C variant is predicted to result in the amino acid substitution p.Cys551Arg. To our knowledge, this variant has not been reported in the literature. This variant is reported in 0.0026% of alleles in individuals of European (Non-Finnish) descent in gnomAD. It is interpreted as uncertain significance in ClinVar. At this time, the clinical significance of this variant is uncertain due to the absence of conclusive functional and genetic evidence.

Fulgent Genetics
Classification: Uncertain significance for Colorectal cancer; Oligodontia-cancer predisposition syndrome. Last evaluated: 2018-10-31. Review status: criteria provided, single submitter. Criteria: ACMG Guidelines, 2015. Collection method: clinical testing. Allele origin: unknown.